The following is an entry in ClinVar:

NM_004415.4(DSP):c.5801G>A (p.Arg1934Gln)

Gene: DSP (desmoplakin; plus strand). Cytogenetic location: 6p24.3.
Variant type: single nucleotide variant.
Coding change: c.5801G>A on transcript NM_004415.4 (MANE Select); coding-DNA position 5801, G replaced by A.
Protein change: p.Arg1934Gln; replaces arginine 1934 with glutamine.
Molecular consequence: missense variant.
Genome position (GRCh38, 1-based): chr6:7,583,063, G>A. VCF-style: chr6-7583063-G-A. GRCh37 (hg19) VCF-style: chr6-7583296-G-A.
Other names: c.4004G>A, p.Arg1335Gln (NM_001008844.3); c.4472G>A, p.Arg1491Gln (NM_001319034.2); short protein forms R1335Q, R1491Q, R1934Q.
Identifiers: ClinVar variation 2636860 (VCV002636860.7), dbSNP rs1471613374, ClinGen allele CA362689440.

ClinVar aggregate classification (germline): Uncertain significance. Review status: criteria provided, multiple submitters, no conflicts (2 of 4 stars). 4 submissions from 4 submitters: Uncertain significance (4). Last evaluated 2024-06-01.

Conditions:
Arrhythmogenic cardiomyopathy with wooly hair and keratoderma. Also called: PALMOPLANTAR KERATODERMA WITH LEFT VENTRICULAR CARDIOMYOPATHY AND WOOLLY HAIR; Carvajal syndrome; Arrhythmogenic cardiomyopathy with woolly hair and keratoderma; Dilated cardiomyopathy with woolly hair and keratoderma. Identifiers: Orphanet 65282, MedGen C1854063, MONDO:0011581, OMIM 605676.
Arrhythmogenic right ventricular dysplasia 8 (ARVD8). Also called: Arrhythmogenic Right Ventricular Dysplasia/Cardiomyopathy 8; ARRHYTHMOGENIC RIGHT VENTRICULAR DYSPLASIA, FAMILIAL, 8; ARRHYTHMOGENIC RIGHT VENTRICULAR CARDIOMYOPATHY 8. Identifiers: MedGen C1843896, MONDO:0011831, OMIM 607450.
Cardiomyopathy (CMYO). Also called: Cardiomyopathies. Identifiers: Orphanet 167848, MedGen C0878544, MONDO:0004994, HP:0001638. Inheritance: Various modes of inheritance.
DSP-related disorder. Also called: DSP-related disorders; DSP-related condition.

Allele frequency attached by ClinVar (database versions not stated): gnomAD exomes 0.00001.
gnomAD v4.1: 9 of 1,614,064 alleles (0.00056%); highest among the groups gnomAD compares: African/African-American, 0.0013%; no homozygotes.

Submissions (4):

Labcorp Genetics (formerly Invitae), Labcorp
Classification: Uncertain significance for Arrhythmogenic cardiomyopathy with wooly hair and keratoderma; Arrhythmogenic right ventricular dysplasia 8. Last evaluated: 2024-06-01. Review status: criteria provided, single submitter. Criteria: Invitae Variant Classification Sherloc (09022015). Collection method: clinical testing. Allele origin: germline.
Comment: This sequence change replaces arginine, which is basic and polar, with glutamine, which is neutral and polar, at codon 1934 of the DSP protein (p.Arg1934Gln). This variant is present in population databases (no rsID available, gnomAD 0.0009%). This variant has not been reported in the literature in individuals affected with DSP-related conditions. ClinVar contains an entry for this variant (Variation ID: 2636860). An algorithm developed to predict the effect of missense changes on protein structure and function (PolyPhen-2) suggests that this variant is likely to be disruptive. In summary, the available evidence is currently insufficient to determine the role of this variant in disease. Therefore, it has been classified as a Variant of Uncertain Significance.

All of Us Research Program, National Institutes of Health
Classification: Uncertain significance for Arrhythmogenic cardiomyopathy with wooly hair and keratoderma. Last evaluated: 2024-03-24. Review status: criteria provided, single submitter. Criteria: ACMG Guidelines, 2015. Collection method: clinical testing. Allele origin: germline. Inheritance: Autosomal dominant inheritance. Observed: 3 variant alleles, 3 heterozygotes.
Comment: This missense variant replaces arginine with glutamine at codon 1934 of the DSP protein. Computational prediction suggests that this variant may not impact protein structure and function (internally defined REVEL score threshold <= 0.5, PMID: 27666373). To our knowledge, functional studies have not been reported for this variant. This variant has been reported in an individual suspected of having hypertrophic cardiomyopathy, who also carried a pathogenic variant in the MYBPC3 gene that could explain the observed phenotype (PMID: 30847666). This variant has been identified in 1/250560 chromosomes in the general population by the Genome Aggregation Database (gnomAD). The available evidence is insufficient to determine the role of this variant in disease conclusively. Therefore, this variant is classified as a Variant of Uncertain Significance.

This study involves interpretation of variants in research participants for the purpose of population health screening. Participant phenotype was not available at the time of variant classification. Additional details can be found in publication PMID: 35346344, PMCID: PMC8962531

Color Diagnostics, LLC DBA Color Health
Classification: Uncertain significance for Cardiomyopathy. Last evaluated: 2023-11-01. Review status: criteria provided, single submitter. Criteria: ACMG Guidelines, 2015. Collection method: clinical testing. Allele origin: germline.
Comment: This missense variant replaces arginine with glutamine at codon 1934 of the DSP protein. Computational prediction suggests that this variant may not impact protein structure and function (internally defined REVEL score threshold <= 0.5, PMID: 27666373). To our knowledge, functional studies have not been reported for this variant. This variant has been reported in an individual suspected of having hypertrophic cardiomyopathy, who also carried a pathogenic variant in the MYBPC3 gene that could explain the observed phenotype (PMID: 30847666). This variant has been identified in 1/250560 chromosomes in the general population by the Genome Aggregation Database (gnomAD). The available evidence is insufficient to determine the role of this variant in disease conclusively. Therefore, this variant is classified as a Variant of Uncertain Significance.

PreventionGenetics, part of Exact Sciences
Classification: Uncertain significance for DSP-related condition. Last evaluated: 2022-11-02. Review status: criteria provided, single submitter. Criteria: ACMG Guidelines, 2015. Collection method: clinical testing. Allele origin: germline.
Comment: The DSP c.5801G>A variant is predicted to result in the amino acid substitution p.Arg1934Gln. To our knowledge, this variant has not been reported in the literature. This variant is reported in 0.00088% of alleles in individuals of European (Non-Finnish) descent in gnomAD. At this time, the clinical significance of this variant is uncertain due to the absence of conclusive functional and genetic evidence.

Literature cited by the submitters: PubMed 30847666 (cited by All of Us Research Program, National Institutes of Health and Color Diagnostics, LLC DBA Color Health).